The following is an entry in ClinVar:

ClinVar aggregate classification (germline): Uncertain significance (1 of 4 stars; one submission).

Submission:

GeneDx
Classification: Uncertain significance. Last evaluated: 2025-03-21. Review status: criteria provided, single submitter. Criteria: GeneDx Variant Classification Process June 2021. Collection method: clinical testing. Allele origin: germline. Affected: yes.
Comment: Not observed at significant frequency in large population cohorts (gnomAD); In silico analysis indicates that this missense variant does not alter protein structure/function; Has not been previously published as pathogenic or benign to our knowledge

NM_001377299.1(NDUFS2):c.589A>G (p.Met197Val)

Gene: NDUFS2 (NADH:ubiquinone oxidoreductase core subunit S2; plus strand). Cytogenetic location: 1q23.3.
Variant type: single nucleotide variant.
Coding change: c.589A>G on transcript NM_001377299.1 (MANE Select); coding-DNA position 589, A replaced by G.
Protein change: p.Met197Val; replaces methionine 197 with valine.
Molecular consequence: missense variant. On other transcripts: non-coding transcript variant (1).
Genome position (GRCh38, 1-based): chr1:161,209,557, A>G. VCF-style: chr1-161209557-A-G. GRCh37 (hg19) VCF-style: chr1-161179347-A-G.
Other names: c.589A>G, p.Met197Val (NM_001166159.2, NM_001377298.1, NM_001377300.1 and 4 more transcripts); short protein forms M197V.
Identifiers: ClinVar variation 4086347 (VCV004086347.1).
Genomic context (GRCh38, chr1:161,209,557, plus strand): 5'-ATCACACGTTTGTTGAACCACATCATGGCTGTGACCACACATGCCCTGGACCTTGGGGCC[A>G]TGACCCCTTTCTTCTGGCTGTTTGAAGAAAGGGAGAAGGTAAGAGTGGGAGGAAAGGATA-3'
Protein context (NP_001364228.1, residues 187-207): VTTHALDLGA[Met197Val]TPFFWLFEER